The following is an entry in ClinVar:

ClinVar aggregate classification (germline): Uncertain significance (1 of 4 stars; one submission).

Conditions:
Hereditary cancer-predisposing syndrome. Also called: Hereditary neoplastic syndrome; Neoplastic Syndromes, Hereditary; Tumor predisposition; Hereditary Cancer Syndrome. Identifiers: Orphanet 140162, MedGen C0027672, MeSH D009386, MONDO:0015356.

gnomAD v4.1: 1 of 1,613,752 alleles (0.000062%); highest among the groups gnomAD compares: Non-Finnish European, 0.000085%; no homozygotes.

Submission:

Ambry Genetics
Classification: Uncertain significance for Hereditary cancer-predisposing syndrome. Last evaluated: 2025-01-10. Review status: criteria provided, single submitter. Criteria: Ambry Variant Classification Scheme 2023. Collection method: clinical testing. Allele origin: germline.
Comment: The p.P461S variant (also known as c.1381C>T), located in coding exon 9 of the FH gene, results from a C to T substitution at nucleotide position 1381. The proline at codon 461 is replaced by serine, an amino acid with similar properties. This amino acid position is conserved. In addition, the in silico prediction for this alteration is inconclusive. Based on the available evidence, the clinical significance of this variant remains unclear.

NM_000143.4(FH):c.1381C>T (p.Pro461Ser)

Gene: FH (fumarate hydratase; minus strand). Cytogenetic location: 1q43.
Variant type: single nucleotide variant.
Coding change: c.1381C>T on transcript NM_000143.4 (MANE Select); coding-DNA position 1381, C replaced by T.
Protein change: p.Pro461Ser; replaces proline 461 with serine.
Molecular consequence: missense variant.
Genome position (GRCh38, 1-based): chr1:241,500,446, G>A on the plus strand (C>T on the coding strand, the complement: FH is on the minus strand). VCF-style: chr1-241500446-G-A. GRCh37 (hg19) VCF-style: chr1-241663746-G-A.
Other names: short protein forms P461S.
Identifiers: ClinVar variation 3850218 (VCV003850218.1).